The following is an entry in ClinVar:

NM_001035.3(RYR2):c.7391A>G (p.His2464Arg)

Gene: RYR2 (ryanodine receptor 2; plus strand). Cytogenetic location: 1q43.
Variant type: single nucleotide variant.
Coding change: c.7391A>G on transcript NM_001035.3 (MANE Select); coding-DNA position 7391, A replaced by G.
Protein change: p.His2464Arg; replaces histidine 2464 with arginine.
Molecular consequence: missense variant.
Genome position (GRCh38, 1-based): chr1:237,648,492, A>G. VCF-style: chr1-237648492-A-G. GRCh37 (hg19) VCF-style: chr1-237811792-A-G.
Other names: c.7391A>G, p.His2464Arg (LRG_402t1); short protein forms H2464R.
Identifiers: ClinVar variation 574999 (VCV000574999.10), dbSNP rs1558137849, ClinGen allele CA345398149.

ClinVar aggregate classification (germline): Uncertain significance (1 of 4 stars; one submission).

Conditions:
Catecholaminergic polymorphic ventricular tachycardia 1. Also called: VENTRICULAR TACHYCARDIA, CATECHOLAMINERGIC POLYMORPHIC, 1, WITH OR WITHOUT ATRIAL DYSFUNCTION AND/OR DILATED CARDIOMYOPATHY; VENTRICULAR TACHYCARDIA, STRESS-INDUCED POLYMORPHIC 1; RYR2-Related Catecholaminergic Polymorphic Ventricular Tachycardia. Identifiers: Orphanet 3286, MedGen C1631597, MONDO:0011484, OMIM 604772.

Submission:

Labcorp Genetics (formerly Invitae), Labcorp
Classification: Uncertain significance for Catecholaminergic polymorphic ventricular tachycardia 1. Last evaluated: 2024-04-25. Review status: criteria provided, single submitter. Criteria: Invitae Variant Classification Sherloc (09022015). Collection method: clinical testing. Allele origin: germline.
Comment: This sequence change replaces histidine, which is basic and polar, with arginine, which is basic and polar, at codon 2464 of the RYR2 protein (p.His2464Arg). This variant is not present in population databases (gnomAD no frequency). This variant has not been reported in the literature in individuals affected with RYR2-related conditions. ClinVar contains an entry for this variant (Variation ID: 574999). Advanced modeling of protein sequence and biophysical properties (such as structural, functional, and spatial information, amino acid conservation, physicochemical variation, residue mobility, and thermodynamic stability) performed at Invitae indicates that this missense variant is expected to disrupt RYR2 protein function with a positive predictive value of 95%. In summary, the available evidence is currently insufficient to determine the role of this variant in disease. Therefore, it has been classified as a Variant of Uncertain Significance.